The following is an entry in ClinVar:

NM_001164665.2(KIAA1549):c.332C>A (p.Ala111Asp)

Gene: KIAA1549 (KIAA1549; minus strand). Cytogenetic location: 7q34.
Variant type: single nucleotide variant.
Coding change: c.332C>A on transcript NM_001164665.2 (MANE Select); coding-DNA position 332, C replaced by A.
Protein change: p.Ala111Asp; replaces alanine 111 with aspartic acid.
Molecular consequence: missense variant.
Genome position (GRCh38, 1-based): chr7:138,919,294, G>T on the plus strand (C>A on the coding strand, the complement: KIAA1549 is on the minus strand). VCF-style: chr7-138919294-G-T. GRCh37 (hg19) VCF-style: chr7-138604040-G-T.
Other names: c.332C>A, p.Ala111Asp (NM_020910.3); short protein forms A111D.
Identifiers: ClinVar variation 861605 (VCV000861605.7), dbSNP rs778707938, ClinGen allele CA4506969.

ClinVar aggregate classification (germline): Uncertain significance (1 of 4 stars; one submission).

Allele frequency attached by ClinVar (database versions not stated): ExAC 0.00001; gnomAD 0.00001; gnomAD exomes 0.00001; TOPMed 0.00002.
gnomAD v4.1: 18 of 1,613,904 alleles (0.0011%); highest among the groups gnomAD compares: Non-Finnish European, 0.0015%; no homozygotes.

Submission:

Labcorp Genetics (formerly Invitae), Labcorp
Classification: Uncertain significance. Last evaluated: 2019-12-17. Review status: criteria provided, single submitter. Criteria: Invitae Variant Classification Sherloc (09022015). Collection method: clinical testing. Allele origin: germline.
Comment: In summary, the available evidence is currently insufficient to determine the role of this variant in disease. Therefore, it has been classified as a Variant of Uncertain Significance. Algorithms developed to predict the effect of missense changes on protein structure and function are either unavailable or do not agree on the potential impact of this missense change (SIFT: "Deleterious"; PolyPhen-2: "Benign"; Align-GVGD: "Class C0"). This variant has not been reported in the literature in individuals with KIAA1549-related conditions. This variant is present in population databases (rs778707938, ExAC 0.001%). This sequence change replaces alanine with aspartic acid at codon 111 of the KIAA1549 protein (p.Ala111Asp). The alanine residue is weakly conserved and there is a moderate physicochemical difference between alanine and aspartic acid.